The following is an entry in ClinVar:

NM_001572.5(IRF7):c.1329del (p.Lys444fs)

Gene: IRF7 (interferon regulatory factor 7; minus strand). Cytogenetic location: 11p15.5.
Variant type: Deletion.
Coding change: c.1329del on transcript NM_001572.5 (MANE Select); coding-DNA position 1329, one base deleted (C; older notation c.1329delC).
Protein change: p.Lys444fs; shifts the reading frame from lysine 444.
Molecular consequence: frameshift variant.
Genome position (GRCh38, 1-based): chr11:613,026, G deleted on the plus strand (C on the coding strand, the reverse complement: IRF7 is on the minus strand); the first of 3 consecutive G bases (chr11:613,026-613,028); deleting any one gives the same sequence. VCF-style (leftmost placement, unchanged base first): chr11-613025-TG-T. GRCh37 (hg19) VCF-style: chr11-613025-TG-T.
Other names: c.1242del, p.Lys415fs (NM_004029.4); c.1368del, p.Lys457fs (NM_004031.4); short protein forms K415fs, K457fs, K444fs.
Identifiers: ClinVar variation 1356554 (VCV001356554.8), dbSNP rs1856530841, ClinGen allele CA934279463.

ClinVar aggregate classification (germline): Uncertain significance (1 of 4 stars; one submission).

Conditions:
Immunodeficiency 39 (IMD39). Identifiers: Orphanet 574918, MedGen C4225358, MONDO:0014597, OMIM 616345.

Submission:

Labcorp Genetics (formerly Invitae), Labcorp
Classification: Uncertain significance for Immunodeficiency 39. Last evaluated: 2021-04-10. Review status: criteria provided, single submitter. Criteria: Invitae Variant Classification Sherloc (09022015). Collection method: clinical testing. Allele origin: germline.
Comment: This variant has not been reported in the literature in individuals with IRF7-related conditions. Experimental studies and prediction algorithms are not available or were not evaluated, and the functional significance of this variant is currently unknown. In summary, the available evidence is currently insufficient to determine the role of this variant in disease. Therefore, it has been classified as a Variant of Uncertain Significance. This variant is not present in population databases (ExAC no frequency). This sequence change creates a premature translational stop signal (p.Lys457Argfs*8) in the IRF7 gene. While this is not anticipated to result in nonsense mediated decay, it is expected to disrupt the last 60 amino acid(s) of the IRF7 protein.